The following is an entry in ClinVar:

ClinVar aggregate classification (germline): Uncertain significance. Review status: criteria provided, multiple submitters, no conflicts (2 of 4 stars). 2 submissions from 2 submitters: Uncertain significance (2). Last evaluated 2023-06-12.

Conditions:
Cardiovascular phenotype. Identifiers: MedGen CN230736.

Submissions (2):

Ambry Genetics
Classification: Uncertain significance for Cardiovascular phenotype. Last evaluated: 2023-06-12. Review status: criteria provided, single submitter. Criteria: Ambry Variant Classification Scheme 2023. Collection method: clinical testing. Allele origin: germline.
Comment: The p.E48K variant (also known as c.142G>A), located in coding exon 2 of the JAG1 gene, results from a G to A substitution at nucleotide position 142. The glutamic acid at codon 48 is replaced by lysine, an amino acid with similar properties. This amino acid position is conserved. In addition, the in silico prediction for this alteration is inconclusive. Since supporting evidence is limited at this time, the clinical significance of this alteration remains unclear.

Blueprint Genetics
Classification: Uncertain significance. Last evaluated: 2022-11-01. Review status: criteria provided, single submitter. Criteria: ACMG Guidelines, 2015. Collection method: clinical testing. Allele origin: germline.

NM_000214.3(JAG1):c.142G>A (p.Glu48Lys)

Gene: JAG1 (jagged canonical Notch ligand 1; minus strand). Cytogenetic location: 20p12.2.
Variant type: single nucleotide variant.
Coding change: c.142G>A on transcript NM_000214.3 (MANE Select); coding-DNA position 142, G replaced by A.
Protein change: p.Glu48Lys; replaces glutamic acid 48 with lysine.
Molecular consequence: missense variant.
Genome position (GRCh38, 1-based): chr20:10,672,946, C>T on the plus strand (G>A on the coding strand, the complement: JAG1 is on the minus strand). VCF-style: chr20-10672946-C-T. GRCh37 (hg19) VCF-style: chr20-10653594-C-T.
Other names: short protein forms E48K.
Identifiers: ClinVar variation 2566911 (VCV002566911.3), dbSNP rs1600196580, ClinGen allele CA408243661.